The following is an entry in ClinVar:

NM_024795.4(TM4SF20):c.498G>A (p.Met166Ile)

Gene: TM4SF20 (transmembrane 4 L six family member 20; minus strand). Cytogenetic location: 2q36.3.
Variant type: single nucleotide variant.
Coding change: c.498G>A on transcript NM_024795.4 (MANE Select); coding-DNA position 498, G replaced by A.
Protein change: p.Met166Ile; replaces methionine 166 with isoleucine.
Molecular consequence: missense variant.
Genome position (GRCh38, 1-based): chr2:227,363,916, C>T on the plus strand (G>A on the coding strand, the complement: TM4SF20 is on the minus strand). VCF-style: chr2-227363916-C-T. GRCh37 (hg19) VCF-style: chr2-228228632-C-T.
Other names: short protein forms M166I.
Identifiers: ClinVar variation 4687314 (VCV004687314.1).
Genomic context (GRCh38, chr2:227,363,916, plus strand): 5'-AAGCCTATGTTTGTTTTCTTCAGAATCGAAGTGGAAACTAGATGCTCTCCAGCCACTCGC[C>T]ATGGTGTCGTTACTGGTGGGTTTATTGAAACCAGTAGGAGGTGCACAAGAGTCATTGAAA-3'
Protein context (NP_079071.2, residues 156-176): GFNKPTSNDT[Met166Ile]ASGWRASSFH

ClinVar aggregate classification (germline): Uncertain significance (1 of 4 stars; one submission).

Submission:

Women's Health and Genetics/Laboratory Corporation of America, LabCorp
Classification: Uncertain significance. Last evaluated: 2025-10-14. Review status: criteria provided, single submitter. Criteria: LabCorp Variant Classification Summary - May 2015. Collection method: clinical testing. Allele origin: germline.
Comment: Variant summary: TM4SF20 c.498G>A (p.Met166Ile) results in a conservative amino acid change in the encoded protein sequence. Algorithms developed to predict the effect of missense changes on protein structure and function all suggest that this variant is likely to be tolerated. The variant was absent in 251166 control chromosomes. The available data on variant occurrences in the general population are insufficient to allow any conclusion about variant significance. To our knowledge, no occurrence of c.498G>A in individuals affected with TM4SF20-related conditions and no experimental evidence demonstrating its impact on protein function have been reported. No submitters have cited clinical-significance assessments for this variant to ClinVar. Based on the evidence outlined above, the variant was classified as uncertain significance.